The following is an entry in ClinVar:

ClinVar aggregate classification (germline): Uncertain significance (1 of 4 stars; one submission).

Conditions:
Mucolipidosis type II. Also called: Mucolipidosis 2; ML 2; Inclusion cell disease; Leroy Disease; N-acetylglucosamine 1phosphotransferase deficiency; ML disorder type 2. Identifiers: Orphanet 576, MedGen C2673377, MONDO:0009650, OMIM 252500.
Pseudo-Hurler polydystrophy. Also called: ML IIIA; Mucolipidosis III Alpha/Beta; MUCOLIPIDOSIS IIIA; ML III; ML III ALPHA/BETA; Type III Mucolipidosis. Identifiers: Orphanet 423461, Orphanet 577, MedGen C0033788, MONDO:0018931, OMIM 252600.

Submission:

Labcorp Genetics (formerly Invitae), Labcorp
Classification: Uncertain significance for Pseudo-Hurler polydystrophy; Mucolipidosis type II. Last evaluated: 2020-09-15. Review status: criteria provided, single submitter. Criteria: Invitae Variant Classification Sherloc (09022015). Collection method: clinical testing. Allele origin: germline.
Comment: In summary, the available evidence is currently insufficient to determine the role of this variant in disease. Therefore, it has been classified as a Variant of Uncertain Significance. Experimental studies and prediction algorithms are not available or were not evaluated, and the functional significance of this variant is currently unknown. This variant has been observed in individual(s) with GNPTAB-related conditions (Invitae). In at least one individual the data is consistent with the variant being in trans (on the opposite chromosome) from a pathogenic variant. ClinVar contains an entry for this variant (Variation ID: 961602). This variant is not present in population databases (ExAC no frequency). This variant, c.3422_3424del, results in the deletion of 1 amino acid(s) of the GNPTAB protein (p.Arg1141del), but otherwise preserves the integrity of the reading frame.

NM_024312.5(GNPTAB):c.3422_3424del (p.Arg1141del)

Gene: GNPTAB (N-acetylglucosamine-1-phosphate transferase subunits alpha and beta; minus strand). Cytogenetic location: 12q23.2.
Variant type: Deletion.
Coding change: c.3422_3424del on transcript NM_024312.5 (MANE Select); coding-DNA positions 3422 to 3424, 3 bases deleted (GAA; older notation c.3422_3424delGAA).
Protein change: p.Arg1141del; deletes arginine 1141.
Molecular consequence: inframe deletion.
Genome position (GRCh38, 1-based): chr12:101,757,222-101,757,224, TTC deleted on the plus strand (GAA on the coding strand, the reverse complement: GNPTAB is on the minus strand); deleting any 3 consecutive bases within chr12:101,757,222-101,757,226 gives the same sequence; the c. name uses the placement nearest the transcript's 3' end. VCF-style (leftmost placement, unchanged base first): chr12-101757221-TTTC-T. GRCh37 (hg19) VCF-style: chr12-102150999-TTTC-T.
Other names: short protein forms R1141del.
Identifiers: ClinVar variation 961602 (VCV000961602.9), dbSNP rs1952913803, ClinGen allele CA1139662821.